The following is an entry in ClinVar:

NM_000038.6(APC):c.2349A>G (p.Ala783=)

Gene: APC (APC regulator of Wnt signaling pathway; plus strand). Cytogenetic location: 5q22.2.
Variant type: single nucleotide variant.
Coding change: c.2349A>G on transcript NM_000038.6 (MANE Select); coding-DNA position 2349, A replaced by G.
Protein change: p.Ala783=; no amino-acid change (alanine 783 retained).
Molecular consequence: synonymous variant.
Genome position (GRCh38, 1-based): chr5:112,837,943, A>G. VCF-style: chr5-112837943-A-G. GRCh37 (hg19) VCF-style: chr5-112173640-A-G.
Other names: c.2349A>G, p.Ala783= (NM_001127510.3, NM_001354895.2); c.2295A>G, p.Ala765= (NM_001127511.3); c.2403A>G, p.Ala801= (NM_001354896.2); c.2379A>G, p.Ala793= (NM_001354897.2); c.2274A>G, p.Ala758= (NM_001354898.2); c.2265A>G, p.Ala755= (NM_001354899.2); c.2226A>G, p.Ala742= (NM_001354900.2); c.2172A>G, p.Ala724= (NM_001354901.2); and 5 more.
Identifiers: ClinVar variation 793791 (VCV000793791.14), dbSNP rs1580620884, ClinGen allele CA445963396.

ClinVar aggregate classification (germline): Benign/Likely benign. Review status: criteria provided, multiple submitters, no conflicts (2 of 4 stars). 4 submissions from 4 submitters: Benign (1); Likely benign (3). Last evaluated 2025-07-07.

Conditions:
Familial adenomatous polyposis 1 (FAP1). Also called: FAMILIAL ADENOMATOUS POLYPOSIS 1, ATTENUATED; POLYPOSIS, ADENOMATOUS INTESTINAL. Identifiers: MedGen C2713442, MONDO:0021056, OMIM 175100. Disease mechanism: loss of function.
Hereditary cancer-predisposing syndrome. Also called: Tumor predisposition; Hereditary neoplastic syndrome; Hereditary Cancer Syndrome; Neoplastic Syndromes, Hereditary. Identifiers: Orphanet 140162, MedGen C0027672, MeSH D009386, MONDO:0015356.

Allele frequency attached by ClinVar (database versions not stated): gnomAD exomes below 0.00001.
gnomAD v4.1: 1 of 1,614,126 alleles (0.000062%); highest among the groups gnomAD compares: Non-Finnish European, 0.000085%; no homozygotes.

Submissions (4):

Color Diagnostics, LLC DBA Color Health
Classification: Likely benign for Hereditary cancer-predisposing syndrome. Last evaluated: 2025-07-07. Review status: criteria provided, single submitter. Criteria: ACMG Guidelines, 2015. Collection method: clinical testing. Allele origin: germline.

Labcorp Genetics (formerly Invitae), Labcorp
Classification: Likely benign for Familial adenomatous polyposis 1. Last evaluated: 2024-11-06. Review status: criteria provided, single submitter. Criteria: Invitae Variant Classification Sherloc (09022015). Collection method: clinical testing. Allele origin: germline.

Myriad Genetics, Inc.
Classification: Benign for Familial adenomatous polyposis 1. Last evaluated: 2024-03-12. Review status: criteria provided, single submitter. Criteria: Myriad Autosomal Dominant, Autosomal Recessive and X-Linked Classification Criteria (2023). Collection method: clinical testing. Allele origin: unknown.
Comment: This variant is considered benign. This variant is a silent/synonymous amino acid change and it is not expected to impact splicing.

Ambry Genetics
Classification: Likely benign for Hereditary cancer-predisposing syndrome. Last evaluated: 2020-06-05. Review status: criteria provided, single submitter. Criteria: Ambry Variant Classification Scheme 2023. Collection method: clinical testing. Allele origin: germline.